The following is an entry in ClinVar:

NM_001267727.2(ARSG):c.1550A>C (p.Gln517Pro)

Genes: ARSG (arylsulfatase G; plus strand), PRKAR1A (protein kinase cAMP-dependent type I regulatory subunit alpha; plus strand). Cytogenetic location: 17q24.2.
Variant type: single nucleotide variant.
Coding change: c.1550A>C on transcript NM_001267727.2 (MANE Select); coding-DNA position 1550, A replaced by C.
Protein change: p.Gln517Pro; replaces glutamine 517 with proline.
Molecular consequence: missense variant. On other transcripts: intron variant (3).
Genome position (GRCh38, 1-based): chr17:68,420,435, A>C. VCF-style: chr17-68420435-A-C. GRCh37 (hg19) VCF-style: chr17-66416576-A-C.
Other names: c.1550A>C, p.Gln517Pro (NM_001352899.2, NM_001352900.2, NM_001352901.2 and 2 more transcripts); c.1547A>C, p.Gln516Pro (NM_001352903.2, NM_001352904.2, NM_001352905.2 and 2 more transcripts); c.1303+18985A>C (NM_001352910.2); c.1255+18985A>C (NM_001352909.2); c.-7+6640A>C (NM_001278433.2); short protein forms Q517P, Q516P.
Identifiers: ClinVar variation 1407223 (VCV001407223.10), dbSNP rs1404037059, ClinGen allele CA400749358.

ClinVar aggregate classification (germline): Uncertain significance. Review status: criteria provided, multiple submitters, no conflicts (2 of 4 stars). 2 submissions from 2 submitters: Uncertain significance (2). Last evaluated 2025-08-25.

Allele frequency attached by ClinVar (database versions not stated): TOPMed below 0.00001; gnomAD 0.00001.
gnomAD v4.1: 5 of 1,613,948 alleles (0.00031%); highest among the groups gnomAD compares: Non-Finnish European, 0.00034%; no homozygotes.

Submissions (2):

Ambry Genetics
Classification: Uncertain significance. Last evaluated: 2025-08-25. Review status: criteria provided, single submitter. Criteria: Ambry Variant Classification Scheme 2023. Collection method: clinical testing. Allele origin: germline.

Labcorp Genetics (formerly Invitae), Labcorp
Classification: Uncertain significance. Last evaluated: 2022-06-27. Review status: criteria provided, single submitter. Criteria: Invitae Variant Classification Sherloc (09022015). Collection method: clinical testing. Allele origin: germline.
Comment: In summary, the available evidence is currently insufficient to determine the role of this variant in disease. Therefore, it has been classified as a Variant of Uncertain Significance. Algorithms developed to predict the effect of missense changes on protein structure and function (SIFT, PolyPhen-2, Align-GVGD) all suggest that this variant is likely to be tolerated. This sequence change replaces glutamine, which is neutral and polar, with proline, which is neutral and non-polar, at codon 517 of the ARSG protein (p.Gln517Pro). This variant is not present in population databases (gnomAD no frequency). This variant has not been reported in the literature in individuals affected with ARSG-related conditions.